The following is an entry in ClinVar:

ClinVar aggregate classification (germline): Pathogenic (1 of 4 stars; one submission).

Submission:

Centre of Medical Genetics, University Hospital Muenster
Classification: Pathogenic. Last evaluated: 2021-09-28. Review status: criteria provided, single submitter. Criteria: ACMG Guidelines, 2015. Collection method: clinical testing. Allele origin: unknown. Affected: yes. Observed: 1 variant allele, 1 heterozygote.
Comment: ACMG categories: PVS1,PM2,PP3

NM_138576.4(BCL11B):c.1380C>A (p.Cys460Ter)

Gene: BCL11B (BCL11 transcription factor B; minus strand). Cytogenetic location: 14q32.2.
Variant type: single nucleotide variant.
Coding change: c.1380C>A on transcript NM_138576.4 (MANE Select); coding-DNA position 1380, C replaced by A.
Protein change: p.Cys460Ter; replaces cysteine 460 with a stop codon.
Molecular consequence: nonsense.
Genome position (GRCh38, 1-based): chr14:99,175,456, G>T on the plus strand (C>A on the coding strand, the complement: BCL11B is on the minus strand). VCF-style: chr14-99175456-G-T. GRCh37 (hg19) VCF-style: chr14-99641793-G-T.
Other names: c.1377C>A, p.Cys459Ter (NM_001282237.2); c.1164C>A, p.Cys388Ter (NM_001282238.2); c.1167C>A, p.Cys389Ter (NM_022898.3); short protein forms C388*, C389*, C459*, C460*.
Identifiers: ClinVar variation 1708342 (VCV001708342.2), dbSNP rs1886475635, ClinGen allele CA390935508.